The following is an entry in ClinVar:

ClinVar aggregate classification (germline): Uncertain significance (1 of 4 stars; one submission).

Conditions:
Progressive sclerosing poliodystrophy (MTDPS4A). Also called: Mitochondrial DNA depletion syndrome 4A (Alpers type); Alpers Syndrome; ALPERS DIFFUSE DEGENERATION OF CEREBRAL GRAY MATTER WITH HEPATIC CIRRHOSIS; Alpers-Huttenlocher Syndrome; ALPERS PROGRESSIVE INFANTILE POLIODYSTROPHY; NEURONAL DEGENERATION OF CHILDHOOD WITH LIVER DISEASE, PROGRESSIVE. Identifiers: Orphanet 726, MedGen C0205710, MONDO:0008758, OMIM 203700.

Allele frequency attached by ClinVar (database versions not stated): gnomAD exomes below 0.00001; gnomAD 0.00001; TOPMed 0.00001.
gnomAD v4.1: 2 of 1,611,422 alleles (0.00012%); highest among the groups gnomAD compares: Admixed American, 0.0017%; no homozygotes.

Submission:

Labcorp Genetics (formerly Invitae), Labcorp
Classification: Uncertain significance for Progressive sclerosing poliodystrophy. Last evaluated: 2022-10-28. Review status: criteria provided, single submitter. Criteria: Invitae Variant Classification Sherloc (09022015). Collection method: clinical testing. Allele origin: germline.
Comment: This sequence change replaces proline, which is neutral and non-polar, with serine, which is neutral and polar, at codon 583 of the POLG protein (p.Pro583Ser). This variant is not present in population databases (gnomAD no frequency). This variant has not been reported in the literature in individuals affected with POLG-related conditions. Advanced modeling of protein sequence and biophysical properties (such as structural, functional, and spatial information, amino acid conservation, physicochemical variation, residue mobility, and thermodynamic stability) performed at Invitae indicates that this missense variant is not expected to disrupt POLG protein function. In summary, the available evidence is currently insufficient to determine the role of this variant in disease. Therefore, it has been classified as a Variant of Uncertain Significance.

NM_002693.3(POLG):c.1747C>T (p.Pro583Ser)

Gene: POLG (DNA polymerase gamma, catalytic subunit; minus strand). Cytogenetic location: 15q26.1.
Variant type: single nucleotide variant.
Coding change: c.1747C>T on transcript NM_002693.3 (MANE Select); coding-DNA position 1747, C replaced by T.
Protein change: p.Pro583Ser; replaces proline 583 with serine.
Molecular consequence: missense variant.
Genome position (GRCh38, 1-based): chr15:89,325,652, G>A on the plus strand (C>T on the coding strand, the complement: POLG is on the minus strand). VCF-style: chr15-89325652-G-A. GRCh37 (hg19) VCF-style: chr15-89868883-G-A.
Other names: c.1747C>T, p.Pro583Ser (NM_001126131.2); short protein forms P583S.
Identifiers: ClinVar variation 2167126 (VCV002167126.1), dbSNP rs1343801323, ClinGen allele CA393759448.